The following is an entry in ClinVar:

NM_024529.5(CDC73):c.1336T>C (p.Phe446Leu)

Gene: CDC73 (cell division cycle 73; plus strand). Cytogenetic location: 1q31.2.
Variant type: single nucleotide variant.
Coding change: c.1336T>C on transcript NM_024529.5 (MANE Select); coding-DNA position 1336, T replaced by C.
Protein change: p.Phe446Leu; replaces phenylalanine 446 with leucine.
Molecular consequence: missense variant.
Genome position (GRCh38, 1-based): chr1:193,236,275, T>C. VCF-style: chr1-193236275-T-C. GRCh37 (hg19) VCF-style: chr1-193205405-T-C.
Other names: short protein forms F446L.
Identifiers: ClinVar variation 2086660 (VCV002086660.4), dbSNP rs2527500719, ClinGen allele CA344078128.

ClinVar aggregate classification (germline): Uncertain significance (1 of 4 stars; one submission).

Conditions:
Parathyroid carcinoma (PRTC). Also called: CDC73-Related Parathyroid Carcinoma; Parathyroid gland carcinoma. Identifiers: Orphanet 143, MedGen C0687150, MONDO:0012004, OMIM 608266, HP:0006780.

Submission:

Labcorp Genetics (formerly Invitae), Labcorp
Classification: Uncertain significance for Parathyroid carcinoma. Last evaluated: 2022-01-17. Review status: criteria provided, single submitter. Criteria: Invitae Variant Classification Sherloc (09022015). Collection method: clinical testing. Allele origin: germline.
Comment: This sequence change replaces phenylalanine, which is neutral and non-polar, with leucine, which is neutral and non-polar, at codon 446 of the CDC73 protein (p.Phe446Leu). In summary, the available evidence is currently insufficient to determine the role of this variant in disease. Therefore, it has been classified as a Variant of Uncertain Significance. Algorithms developed to predict the effect of missense changes on protein structure and function are either unavailable or do not agree on the potential impact of this missense change (SIFT: "Deleterious"; PolyPhen-2: "Probably Damaging"; Align-GVGD: "Class C0"). This variant has not been reported in the literature in individuals affected with CDC73-related conditions. This variant is not present in population databases (gnomAD no frequency).